The following is an entry in ClinVar:

ClinVar aggregate classification (germline): Uncertain significance (1 of 4 stars; one submission).

Conditions:
Duchenne muscular dystrophy (DMD). Also called: MUSCULAR DYSTROPHY, PSEUDOHYPERTROPHIC PROGRESSIVE, DUCHENNE TYPE; Duchenne Muscular Dystrophy (DMD). Identifiers: Orphanet 98896, MedGen C0013264, MONDO:0010679, OMIM 310200.

gnomAD v4.1: 1 of 1,207,010 alleles (0.000083%); highest among the groups gnomAD compares: South Asian, 0.0018%; no homozygotes.

Submission:

Labcorp Genetics (formerly Invitae), Labcorp
Classification: Uncertain significance for Duchenne muscular dystrophy. Last evaluated: 2025-08-06. Review status: criteria provided, single submitter. Criteria: Invitae Variant Classification Sherloc (09022015). Collection method: clinical testing. Allele origin: germline.
Comment: This sequence change replaces asparagine, which is neutral and polar, with aspartic acid, which is acidic and polar, at codon 3272 of the DMD protein (p.Asn3272Asp). This variant is not present in population databases (gnomAD no frequency). This variant has not been reported in the literature in individuals affected with DMD-related conditions. Invitae Evidence Modeling of protein sequence and biophysical properties (such as structural, functional, and spatial information, amino acid conservation, physicochemical variation, residue mobility, and thermodynamic stability) indicates that this missense variant is not expected to disrupt DMD protein function with a negative predictive value of 95%. In summary, the available evidence is currently insufficient to determine the role of this variant in disease. Therefore, it has been classified as a Variant of Uncertain Significance.

NM_004006.3(DMD):c.9814A>G (p.Asn3272Asp)

Gene: DMD (dystrophin; minus strand). Cytogenetic location: Xp21.2.
Variant type: single nucleotide variant.
Coding change: c.9814A>G on transcript NM_004006.3 (MANE Select); coding-DNA position 9814, A replaced by G.
Protein change: p.Asn3272Asp; replaces asparagine 3272 with aspartic acid.
Molecular consequence: missense variant.
Genome position (GRCh38, 1-based): chrX:31,182,898, T>C on the plus strand (A>G on the coding strand, the complement: DMD is on the minus strand). VCF-style: chrX-31182898-T-C. GRCh37 (hg19) VCF-style: chrX-31201015-T-C.
Other names: c.9790A>G, p.Asn3264Asp (NM_000109.4); c.9802A>G, p.Asn3268Asp (NM_004009.3); c.9445A>G, p.Asn3149Asp (NM_004010.3); c.5791A>G, p.Asn1931Asp (NM_004011.4); c.5782A>G, p.Asn1928Asp (NM_004012.4); c.2434A>G, p.Asn812Asp (NM_004013.3, NM_004020.4, NM_004021.3 and 2 more transcripts); c.1627A>G, p.Asn543Asp (NM_004014.3); c.610A>G, p.Asn204Asp (NM_004015.3, NM_004016.3, NM_004017.3 and 2 more transcripts); short protein forms N1928D, N204D, N3149D, N543D, N812D, N3272D, N1931D, N3264D.
Identifiers: ClinVar variation 4701433 (VCV004701433.1).